The following is an entry in ClinVar:

NM_015087.5(SPART):c.1008+1G>C

Gene: SPART (spartin; minus strand). Cytogenetic location: 13q13.3.
Variant type: single nucleotide variant.
Coding change: c.1008+1G>C on transcript NM_015087.5 (MANE Select); the canonical splice donor site of the intron after coding-DNA position 1008, G replaced by C.
Molecular consequence: splice donor variant.
Genome position (GRCh38, 1-based): chr13:36,331,398, C>G on the plus strand (G>C on the coding strand, the complement: SPART is on the minus strand). VCF-style: chr13-36331398-C-G. GRCh37 (hg19) VCF-style: chr13-36905535-C-G.
Other names: c.1008+1G>C (NM_001142294.2, NM_001142295.2, NM_001142296.2).
Identifiers: ClinVar variation 4705815 (VCV004705815.1).
Genomic context (GRCh38, chr13:36,331,398, plus strand): 5'-AAGCTGAAGTGCTTATGTTAAAGTAGATTTTTTTCACCCTAAAGATGATCACACAAGTTA[C>G]CTGGAGCCGAAGGTCAGACATTTGCCTTAACAGATCCTCAAAGAGCTCTCTATCATCCTC-3'

ClinVar aggregate classification (germline): Likely pathogenic (1 of 4 stars; one submission).

gnomAD v4.1: 2 of 1,613,832 alleles (0.00012%); highest among the groups gnomAD compares: Non-Finnish European, 0.00017%; no homozygotes.

Submission:

Labcorp Genetics (formerly Invitae), Labcorp
Classification: Likely pathogenic. Last evaluated: 2025-04-11. Review status: criteria provided, single submitter. Criteria: Invitae Variant Classification Sherloc (09022015). Collection method: clinical testing. Allele origin: germline.
Comment: This sequence change affects a donor splice site in intron 3 of the SPART gene. It is expected to disrupt RNA splicing. Variants that disrupt the donor or acceptor splice site typically lead to a loss of protein function (PMID: 16199547), and loss-of-function variants in SPART are known to be pathogenic (PMID: 18413476, 20437587, 20504295). This variant is not present in population databases (gnomAD no frequency). This variant has not been reported in the literature in individuals affected with SPART-related conditions. Algorithms developed to predict the effect of sequence changes on RNA splicing suggest that this variant may disrupt the consensus splice site. In summary, the currently available evidence indicates that the variant is pathogenic, but additional data are needed to prove that conclusively. Therefore, this variant has been classified as Likely Pathogenic.

Literature cited by the submitters: PubMed 16199547; PubMed 18413476; PubMed 20437587; PubMed 20504295.